The following is an entry in ClinVar:

NM_002528.7(NTHL1):c.145C>T (p.Arg49Cys)

Gene: NTHL1 (nth like DNA glycosylase 1; minus strand). Cytogenetic location: 16p13.3.
Variant type: single nucleotide variant.
Coding change: c.145C>T on transcript NM_002528.7 (MANE Select); coding-DNA position 145, C replaced by T.
Protein change: p.Arg49Cys; replaces arginine 49 with cysteine.
Molecular consequence: missense variant. On other transcripts: 5 prime UTR variant (1).
Genome position (GRCh38, 1-based): chr16:2,046,337, G>A on the plus strand (C>T on the coding strand, the complement: NTHL1 is on the minus strand). VCF-style: chr16-2046337-G-A. GRCh37 (hg19) VCF-style: chr16-2096338-G-A.
Other names: c.145C>T, p.Arg49Cys (LRG_1366t1, NM_001318193.2); c.-34C>T (NM_001318194.2); short protein forms R49C.
Identifiers: ClinVar variation 653714 (VCV000653714.18), dbSNP rs371105614, ClinGen allele CA276765709.

ClinVar aggregate classification (germline): Conflicting classifications of pathogenicity. Review status: criteria provided, conflicting classifications (1 of 4 stars). 6 submissions from 6 submitters: Uncertain significance (4); Likely benign (1). 1 of the submissions does not count toward it. Last evaluated 2025-10-20.

Conditions:
NTHL1-related disorder. Also called: NTHL1-related conditions; NTHL1-related condition.
Hereditary cancer-predisposing syndrome. Also called: Tumor predisposition; Neoplastic Syndromes, Hereditary; Hereditary Cancer Syndrome; Hereditary neoplastic syndrome. Identifiers: Orphanet 140162, MedGen C0027672, MeSH D009386, MONDO:0015356.
Familial adenomatous polyposis 3. Also called: NTHL1-Related Adenomatous Polyposis and Colorectal Cancer; NTHL1-associated polyposis; NTHL1-related attenuated familial adenomatous polyposis; NTHL1 Tumor Syndrome. Identifiers: Orphanet 220460, Orphanet 454840, MedGen C4225157, MONDO:0014630, OMIM 616415.

Allele frequency attached by ClinVar (database versions not stated): gnomAD exomes below 0.00001 and 0.00001; TOPMed below 0.00001; gnomAD 0.00001; ESP Exome Variant Server 0.00008.
gnomAD v4.1: 18 of 1,608,164 alleles (0.0011%); highest among the groups gnomAD compares: South Asian, 0.0033%; no homozygotes.

Submissions (6):

Labcorp Genetics (formerly Invitae), Labcorp
Classification: Uncertain significance. Last evaluated: 2025-10-20. Review status: criteria provided, single submitter. Criteria: Invitae Variant Classification Sherloc (09022015). Collection method: clinical testing. Allele origin: germline.
Comment: This sequence change replaces arginine, which is basic and polar, with cysteine, which is neutral and slightly polar, at codon 57 of the NTHL1 protein (p.Arg57Cys). This variant is present in population databases (rs371105614, gnomAD 0.004%). This variant has not been reported in the literature in individuals affected with NTHL1-related conditions. ClinVar contains an entry for this variant (Variation ID: 653714). An algorithm developed to predict the effect of missense changes on protein structure and function outputs the following: PolyPhen-2: "Benign". The cysteine amino acid residue is found in multiple mammalian species, which suggests that this missense change does not adversely affect protein function. In summary, the available evidence is currently insufficient to determine the role of this variant in disease. Therefore, it has been classified as a Variant of Uncertain Significance.

Molecular Diagnostics Laboratory, Catalan Institute of Oncology
Classification: Uncertain significance for Hereditary cancer-predisposing syndrome. Last evaluated: 2024-10-02. Review status: criteria provided, single submitter. Criteria: ACMG Guidelines, 2015. Collection method: clinical testing. Allele origin: germline.
Comment: PM2_Supporting, BP4_Moderate c.169C>T (NM_002528.5) or c.145C>T (NM_002528.7), located in exon 2 of the NTHL1 gene, is predicted to result in the substitution of Arginine by Cysteine at codon 57, p.(Arg57Cys) in NM_002528.5 or at codon 49, (p.Arg49Cys) in NM_002528.7. This variant is found in 2/267344 alleles at a frequency of 0.0007% in the gnomAD v2.1.1 database, non-cancer dataset (PM2_supporting). The SpliceAI algorithm predicts no significant impact on splicing. The REVEL meta-predictor score for this variant (0,088) suggests that it does not affect the protein function according Pejaver 2022 thresholds (PMID: 36413997) (BP4_Moderate). To our knowledge, neither relevant clinical data nor well-stablished functional studies have been reported for this variant and It has only been reported in the ClinVar database (1x likely benign, 4x uncertain significance). At present ClinVar does not describe pathogenic or likely pathogenic missense variants in this codon. Based on the currently available information, c.169C>T (NM_002528.5) or c.145C>T (NM_002528.7) is classified as an uncertain significance according to ACMG guidelines.

Baylor Genetics
Classification: Uncertain significance for Familial adenomatous polyposis 3. Last evaluated: 2024-03-09. Review status: criteria provided, single submitter. Criteria: ACMG Guidelines, 2015. Collection method: clinical testing. Allele origin: unknown.

GeneDx
Classification: Uncertain significance. Last evaluated: 2024-03-08. Review status: criteria provided, single submitter. Criteria: GeneDx Variant Classification Process June 2021. Collection method: clinical testing. Allele origin: germline. Affected: yes.
Comment: Not observed at significant frequency in large population cohorts (gnomAD); In silico analysis supports that this missense variant has a deleterious effect on protein structure/function; Has not been previously published as pathogenic or benign to our knowledge; This variant is associated with the following publications: (PMID: 8990169, 9045706, 9705289)

Ambry Genetics
Classification: Likely benign for Hereditary cancer-predisposing syndrome. Last evaluated: 2023-12-27. Review status: criteria provided, single submitter. Criteria: Ambry Variant Classification Scheme 2023. Collection method: clinical testing. Allele origin: germline.

PreventionGenetics, part of Exact Sciences
Classification: Uncertain significance for NTHL1-related condition. Last evaluated: 2024-09-11. Review status: no assertion criteria provided. Collection method: clinical testing. Allele origin: germline. Not counted in ClinVar's aggregate classification.
Comment: The NTHL1 c.169C>T variant is predicted to result in the amino acid substitution p.Arg57Cys. To our knowledge, this variant has not been reported in the literature. This variant is reported in 0.0050% of alleles in individuals of East Asian descent in gnomAD and has conflicting interpretations of pathogenicity in ClinVar ranging from likely benign to uncertain significance. At this time, the clinical significance of this variant is uncertain due to the absence of conclusive functional and genetic evidence.